The following is an entry in ClinVar:

ClinVar aggregate classification (germline): Likely benign (0 of 4 stars; one submission).

Conditions:
PIAS4-related disorder. Also called: PIAS4-related condition.

Allele frequency attached by ClinVar (database versions not stated): TOPMed 0.00001; ExAC 0.00002; gnomAD exomes 0.00002; ESP Exome Variant Server 0.00008.

Submission:

PreventionGenetics, part of Exact Sciences
Classification: Likely benign for PIAS4-related condition. Last evaluated: 2022-09-21. Review status: no assertion criteria provided. Collection method: clinical testing. Allele origin: germline.
Comment: This variant is classified as likely benign based on ACMG/AMP sequence variant interpretation guidelines (Richards et al. 2015 PMID: 25741868, with internal and published modifications).

NM_015897.4(PIAS4):c.435G>A (p.Leu145=)

Gene: PIAS4 (protein inhibitor of activated STAT 4; plus strand). Cytogenetic location: 19p13.3.
Variant type: single nucleotide variant.
Coding change: c.435G>A on transcript NM_015897.4 (MANE Select); coding-DNA position 435, G replaced by A.
Protein change: p.Leu145=; no amino-acid change (leucine 145 retained).
Molecular consequence: synonymous variant.
Genome position (GRCh38, 1-based): chr19:4,013,330, G>A. VCF-style: chr19-4013330-G-A. GRCh37 (hg19) VCF-style: chr19-4013328-G-A.
Identifiers: ClinVar variation 3035994 (VCV003035994.2), dbSNP rs147864974, ClinGen allele CA9089737.